The following is an entry in ClinVar:

NM_001099403.2(PRDM8):c.1526C>T (p.Ser509Leu)

Genes: PRDM8 (PR/SET domain 8; plus strand), LOC129992745 (ATAC-STARR-seq lymphoblastoid silent region 15522; plus strand). Cytogenetic location: 4q21.21.
Variant type: single nucleotide variant.
Coding change: c.1526C>T on transcript NM_001099403.2 (MANE Select); coding-DNA position 1526, C replaced by T.
Protein change: p.Ser509Leu; replaces serine 509 with leucine.
Molecular consequence: missense variant.
Genome position (GRCh38, 1-based): chr4:80,202,988, C>T. VCF-style: chr4-80202988-C-T. GRCh37 (hg19) VCF-style: chr4-81124142-C-T.
Other names: c.1526C>T, p.Ser509Leu (NM_020226.4); short protein forms S509L.
Identifiers: ClinVar variation 1953108 (VCV001953108.5), dbSNP rs2475916838, ClinGen allele CA357401282.

ClinVar aggregate classification (germline): Uncertain significance (1 of 4 stars; one submission).

Conditions:
Early-onset Lafora body disease. Also called: Epilepsy, progressive myoclonic, 10. Identifiers: Orphanet 324290, MedGen C4225258, MONDO:0014717, OMIM 616640.

Allele frequency attached by ClinVar (database versions not stated): gnomAD exomes below 0.00001.

Submission:

Labcorp Genetics (formerly Invitae), Labcorp
Classification: Uncertain significance for Early-onset Lafora body disease. Last evaluated: 2025-07-30. Review status: criteria provided, single submitter. Criteria: Invitae Variant Classification Sherloc (09022015). Collection method: clinical testing. Allele origin: germline.
Comment: This sequence change replaces serine, which is neutral and polar, with leucine, which is neutral and non-polar, at codon 509 of the PRDM8 protein (p.Ser509Leu). This variant is not present in population databases (gnomAD no frequency). This variant has not been reported in the literature in individuals affected with PRDM8-related conditions. ClinVar contains an entry for this variant (Variation ID: 1953108). Invitae Evidence Modeling of protein sequence and biophysical properties (such as structural, functional, and spatial information, amino acid conservation, physicochemical variation, residue mobility, and thermodynamic stability) indicates that this missense variant is not expected to disrupt PRDM8 protein function with a negative predictive value of 80%. In summary, the available evidence is currently insufficient to determine the role of this variant in disease. Therefore, it has been classified as a Variant of Uncertain Significance.